The following is an entry in ClinVar:

NM_006445.4(PRPF8):c.1894G>A (p.Ala632Thr)

Gene: PRPF8 (pre-mRNA processing factor 8; minus strand). Cytogenetic location: 17p13.3.
Variant type: single nucleotide variant.
Coding change: c.1894G>A on transcript NM_006445.4 (MANE Select); coding-DNA position 1894, G replaced by A.
Protein change: p.Ala632Thr; replaces alanine 632 with threonine.
Molecular consequence: missense variant.
Genome position (GRCh38, 1-based): chr17:1,677,655, C>T on the plus strand (G>A on the coding strand, the complement: PRPF8 is on the minus strand). VCF-style: chr17-1677655-C-T. GRCh37 (hg19) VCF-style: chr17-1580949-C-T.
Other names: short protein forms A632T.
Identifiers: ClinVar variation 1957658 (VCV001957658.5), dbSNP rs2543771458, ClinGen allele CA397556979.

ClinVar aggregate classification (germline): Uncertain significance (1 of 4 stars; one submission).

Submission:

Labcorp Genetics (formerly Invitae), Labcorp
Classification: Uncertain significance. Last evaluated: 2022-09-19. Review status: criteria provided, single submitter. Criteria: Invitae Variant Classification Sherloc (09022015). Collection method: clinical testing. Allele origin: germline.
Comment: In summary, the available evidence is currently insufficient to determine the role of this variant in disease. Therefore, it has been classified as a Variant of Uncertain Significance. Advanced modeling of protein sequence and biophysical properties (such as structural, functional, and spatial information, amino acid conservation, physicochemical variation, residue mobility, and thermodynamic stability) performed at Invitae indicates that this missense variant is not expected to disrupt PRPF8 protein function. This variant has not been reported in the literature in individuals affected with PRPF8-related conditions. This variant is not present in population databases (gnomAD no frequency). This sequence change replaces alanine, which is neutral and non-polar, with threonine, which is neutral and polar, at codon 632 of the PRPF8 protein (p.Ala632Thr).